The following is an entry in ClinVar:

NM_016507.4(CDK12):c.1432A>G (p.Thr478Ala)

Gene: CDK12 (cyclin dependent kinase 12; plus strand). Cytogenetic location: 17q12.
Variant type: single nucleotide variant.
Coding change: c.1432A>G on transcript NM_016507.4 (MANE Select); coding-DNA position 1432, A replaced by G.
Protein change: p.Thr478Ala; replaces threonine 478 with alanine.
Molecular consequence: missense variant.
Genome position (GRCh38, 1-based): chr17:39,471,264, A>G. VCF-style: chr17-39471264-A-G. GRCh37 (hg19) VCF-style: chr17-37627517-A-G.
Other names: c.1432A>G, p.Thr478Ala (NM_015083.4); short protein forms T478A.
Identifiers: ClinVar variation 4224382 (VCV004224382.1).

ClinVar aggregate classification (germline): Uncertain significance (1 of 4 stars; one submission).

Submission:

Ambry Genetics
Classification: Uncertain significance. Last evaluated: 2025-08-12. Review status: criteria provided, single submitter. Criteria: Ambry Variant Classification Scheme 2023. Collection method: clinical testing. Allele origin: germline.
Comment: The p.T478A variant (also known as c.1432A>G), located in coding exon 2 of the CDK12 gene, results from an A to G substitution at nucleotide position 1432. The threonine at codon 478 is replaced by alanine, an amino acid with similar properties. This amino acid position is conserved. In addition, this alteration is predicted to be tolerated by in silico analysis. Based on the available evidence, the clinical significance of this variant remains unclear.